The following is an entry in ClinVar:

ClinVar aggregate classification (germline): Likely benign. Review status: criteria provided, multiple submitters, no conflicts (2 of 4 stars). 3 submissions from 3 submitters: Likely benign (3). Last evaluated 2026-01-01.

Conditions:
Neutral lipid storage myopathy (NLSDM). Also called: NEUTRAL LIPID STORAGE DISEASE WITHOUT ICHTHYOSIS. Identifiers: Orphanet 98908, MedGen C1853136, MONDO:0012545, OMIM 610717.

Allele frequency attached by ClinVar (database versions not stated): gnomAD 0.00001; gnomAD exomes 0.00001; TOPMed 0.00002.

Submissions (3):

CeGaT Center for Human Genetics Tuebingen
Classification: Likely benign. Last evaluated: 2026-01-01. Review status: criteria provided, single submitter. Criteria: CeGaT Center For Human Genetics Tuebingen Variant Classification Criteria Version 2. Collection method: clinical testing. Allele origin: germline. Affected: yes. Observed: 1 variant allele.
Comment: PNPLA2: BP4, BP7

Labcorp Genetics (formerly Invitae), Labcorp
Classification: Likely benign for Neutral lipid storage myopathy. Last evaluated: 2025-02-10. Review status: criteria provided, single submitter. Criteria: Invitae Variant Classification Sherloc (09022015). Collection method: clinical testing. Allele origin: germline.

Mayo Clinic Laboratories, Mayo Clinic
Classification: Likely benign. Last evaluated: 2024-10-09. Review status: criteria provided, single submitter. Criteria: ACMG Guidelines, 2015. Collection method: clinical testing. Allele origin: germline. Observed: 1 variant allele.
Comment: BP4, BP7, PM2_supporting

NM_020376.4(PNPLA2):c.1191G>A (p.Val397=)

Gene: PNPLA2 (patatin like domain 2, triacylglycerol lipase; plus strand). Cytogenetic location: 11p15.5.
Variant type: single nucleotide variant.
Coding change: c.1191G>A on transcript NM_020376.4 (MANE Select); coding-DNA position 1191, G replaced by A.
Protein change: p.Val397=; no amino-acid change (valine 397 retained).
Molecular consequence: synonymous variant.
Genome position (GRCh38, 1-based): chr11:824,538, G>A. VCF-style: chr11-824538-G-A. GRCh37 (hg19) VCF-style: chr11-824538-G-A.
Other names: p.Val397=.
Identifiers: ClinVar variation 2196110 (VCV002196110.9), dbSNP rs952866694, ClinGen allele CA216972054.